The following is an entry in ClinVar:

ClinVar aggregate classification (germline): Uncertain significance. Review status: criteria provided, multiple submitters, no conflicts (2 of 4 stars). 2 submissions from 2 submitters: Uncertain significance (2). Last evaluated 2022-12-15.

Conditions:
PRDM13-related disorder. Also called: PRDM13-related condition.

Allele frequency attached by ClinVar (database versions not stated): gnomAD 0.00002; TOPMed 0.00003.
gnomAD v4.1: 4 of 1,613,494 alleles (0.00025%); highest among the groups gnomAD compares: African/African-American, 0.004%; no homozygotes.

Submissions (2):

PreventionGenetics, part of Exact Sciences
Classification: Uncertain significance for PRDM13-related condition. Last evaluated: 2022-12-15. Review status: criteria provided, single submitter. Criteria: ACMG Guidelines, 2015. Collection method: clinical testing. Allele origin: germline.
Comment: The PRDM13 c.1813G>A variant is predicted to result in the amino acid substitution p.Val605Ile. To our knowledge, this variant has not been reported in the literature. This variant is reported in 0.011% of alleles in individuals of African descent in gnomAD. At this time, the clinical significance of this variant is uncertain due to the absence of conclusive functional and genetic evidence.

Labcorp Genetics (formerly Invitae), Labcorp
Classification: Uncertain significance. Last evaluated: 2022-07-19. Review status: criteria provided, single submitter. Criteria: Invitae Variant Classification Sherloc (09022015). Collection method: clinical testing. Allele origin: germline.
Comment: In summary, the available evidence is currently insufficient to determine the role of this variant in disease. Therefore, it has been classified as a Variant of Uncertain Significance. Algorithms developed to predict the effect of missense changes on protein structure and function (SIFT, PolyPhen-2, Align-GVGD) all suggest that this variant is likely to be disruptive. ClinVar contains an entry for this variant (Variation ID: 844237). This variant has not been reported in the literature in individuals affected with PRDM13-related conditions. This variant is present in population databases (no rsID available, gnomAD 0.01%). This sequence change replaces valine, which is neutral and non-polar, with isoleucine, which is neutral and non-polar, at codon 605 of the PRDM13 protein (p.Val605Ile).

NM_021620.4(PRDM13):c.1813G>A (p.Val605Ile)

Gene: PRDM13 (PR/SET domain 13; plus strand). Cytogenetic location: 6q16.2.
Variant type: single nucleotide variant.
Coding change: c.1813G>A on transcript NM_021620.4 (MANE Select); coding-DNA position 1813, G replaced by A.
Protein change: p.Val605Ile; replaces valine 605 with isoleucine.
Molecular consequence: missense variant.
Genome position (GRCh38, 1-based): chr6:99,614,448, G>A. VCF-style: chr6-99614448-G-A. GRCh37 (hg19) VCF-style: chr6-100062324-G-A.
Other names: short protein forms V605I.
Identifiers: ClinVar variation 844237 (VCV000844237.10), dbSNP rs915626834, ClinGen allele CA143976175.